The following is an entry in ClinVar:

NM_020987.5(ANK3):c.8651_8659del (p.Gly2884_Pro2886del)

Gene: ANK3 (ankyrin 3; minus strand). Cytogenetic location: 10q21.2.
Variant type: Deletion.
Coding change: c.8651_8659del on transcript NM_020987.5 (MANE Select); coding-DNA positions 8651 to 8659, 9 bases deleted (GTCACCCTG; older notation c.8651_8659delGTCACCCTG).
Protein change: p.Gly2884_Pro2886del.
Molecular consequence: inframe deletion. On other transcripts: intron variant (4).
Genome position (GRCh38, 1-based): chr10:60,072,222-60,072,230, CAGGGTGAC deleted on the plus strand (GTCACCCTG on the coding strand, the reverse complement: ANK3 is on the minus strand); deleting any 9 consecutive bases within chr10:60,072,222-60,072,232 gives the same sequence; the c. name uses the placement nearest the transcript's 3' end. VCF-style (leftmost placement, unchanged base first): chr10-60072221-TCAGGGTGAC-T. GRCh37 (hg19) VCF-style: chr10-61831979-TCAGGGTGAC-T.
Other names: c.4388-4221_4388-4213del (NM_001204403.2); c.4409-4221_4409-4213del (NM_001204404.2); c.4406-4221_4406-4213del (NM_001320874.2); c.1808-4221_1808-4213del (NM_001149.4).
Identifiers: ClinVar variation 4075591 (VCV004075591.1).

ClinVar aggregate classification (germline): Uncertain significance (1 of 4 stars; one submission).

Submission:

GeneDx
Classification: Uncertain significance. Last evaluated: 2025-02-11. Review status: criteria provided, single submitter. Criteria: GeneDx Variant Classification Process June 2021. Collection method: clinical testing. Allele origin: germline. Affected: yes.
Comment: Not observed at significant frequency in large population cohorts (gnomAD); In-frame deletion of 3 amino acids in a non-repeat region; In silico analysis indicates that this variant does not alter protein structure/function; Has not been previously published as pathogenic or benign to our knowledge